The following is an entry in ClinVar:

ClinVar aggregate classification (germline): Uncertain significance (1 of 4 stars; one submission).

Conditions:
Walker-Warburg congenital muscular dystrophy. Also called: Muscular dystrophy-dystroglycanopathy, type A; Walker-Warburg syndrome. Identifiers: Orphanet 899, MedGen C0265221, MONDO:0000171.

Allele frequency attached by ClinVar (database versions not stated): TOPMed 0.00001.

Submission:

Labcorp Genetics (formerly Invitae), Labcorp
Classification: Uncertain significance for Walker-Warburg congenital muscular dystrophy. Last evaluated: 2022-07-26. Review status: criteria provided, single submitter. Criteria: Invitae Variant Classification Sherloc (09022015). Collection method: clinical testing. Allele origin: germline.
Comment: In summary, the available evidence is currently insufficient to determine the role of this variant in disease. Therefore, it has been classified as a Variant of Uncertain Significance. Algorithms developed to predict the effect of missense changes on protein structure and function are either unavailable or do not agree on the potential impact of this missense change (SIFT: "Deleterious"; PolyPhen-2: "Probably Damaging"; Align-GVGD: "Class C0"). ClinVar contains an entry for this variant (Variation ID: 956623). This variant has not been reported in the literature in individuals affected with FKRP-related conditions. This variant is not present in population databases (gnomAD no frequency). This sequence change replaces arginine, which is basic and polar, with histidine, which is basic and polar, at codon 404 of the FKRP protein (p.Arg404His).

NM_024301.5(FKRP):c.1211G>A (p.Arg404His)

Gene: FKRP (fukutin related protein; plus strand). Cytogenetic location: 19q13.32.
Variant type: single nucleotide variant.
Coding change: c.1211G>A on transcript NM_024301.5 (MANE Select); coding-DNA position 1211, G replaced by A.
Protein change: p.Arg404His; replaces arginine 404 with histidine.
Molecular consequence: missense variant.
Genome position (GRCh38, 1-based): chr19:46,756,661, G>A. VCF-style: chr19-46756661-G-A. GRCh37 (hg19) VCF-style: chr19-47259918-G-A.
Other names: c.1211G>A, p.Arg404His (NM_001039885.3); short protein forms R404H.
Identifiers: ClinVar variation 956623 (VCV000956623.9), dbSNP rs2054934225, ClinGen allele CA406496879.
Genomic context (GRCh38, chr19:46,756,661, plus strand): 5'-GCTCGGTGGTGGATGAGCGCGGCTTCGTATGGGAGAAGGCGGTCGAGGGCGACTTTTTCC[G>A]CGTGCAGTACAGCGAAAGCAACCACTTGCACGTGGACCTGTGGCCCTTCTACCCCCGCAA-3'
Protein context (NP_077277.1, residues 394-414): WEKAVEGDFF[Arg404His]VQYSESNHLH